The following is an entry in ClinVar:

NM_001384474.1(LOXHD1):c.1087G>A (p.Val363Ile)

Gene: LOXHD1 (lipoxygenase homology PLAT domains 1; minus strand). Cytogenetic location: 18q21.1.
Variant type: single nucleotide variant.
Coding change: c.1087G>A on transcript NM_001384474.1 (MANE Select); coding-DNA position 1087, G replaced by A.
Protein change: p.Val363Ile; replaces valine 363 with isoleucine.
Molecular consequence: missense variant.
Genome position (GRCh38, 1-based): chr18:46,601,264, C>T on the plus strand (G>A on the coding strand, the complement: LOXHD1 is on the minus strand). VCF-style: chr18-46601264-C-T. GRCh37 (hg19) VCF-style: chr18-44181227-C-T.
Other names: c.1087G>A, p.Val363Ile (NM_144612.7); short protein forms V363I.
Identifiers: ClinVar variation 47916 (VCV000047916.25), dbSNP rs10163657, ClinGen allele CA142181.

ClinVar aggregate classification (germline): Benign/Likely benign. Review status: criteria provided, multiple submitters, no conflicts (2 of 4 stars). 10 submissions from 10 submitters: Benign (6); Likely benign (3). 1 of the submissions does not count toward it. Last evaluated 2026-06-26.

Conditions:
Autosomal recessive nonsyndromic hearing loss 77. Identifiers: Orphanet 90636, MedGen C2746083, MONDO:0013119, OMIM 613079.

Allele frequency attached by ClinVar (database versions not stated): gnomAD 0.05881 and 0.05829; ESP Exome Variant Server 0.06833; 1000 Genomes Project 30x 0.04076; 1000 Genomes Project 0.04273; gnomAD exomes 0.06120 and 0.07716; ExAC 0.06236; TOPMed 0.05662.
gnomAD v4.1: 116,358 of 1,551,622 alleles (7.5%); highest among the groups gnomAD compares: Non-Finnish European, 8.5%; 4,723 homozygotes.

Submissions (10):

Women's Health and Genetics/Laboratory Corporation of America, LabCorp
Classification: Likely benign. Last evaluated: 2026-06-26. Review status: criteria provided, single submitter. Criteria: LabCorp Variant Classification Summary - May 2015. Collection method: clinical testing. Allele origin: germline.

Labcorp Genetics (formerly Invitae), Labcorp
Classification: Benign. Last evaluated: 2026-02-04. Review status: criteria provided, single submitter. Criteria: Invitae Variant Classification Sherloc (09022015). Collection method: clinical testing. Allele origin: germline.

Genome-Nilou Lab
Classification: Benign for Autosomal recessive nonsyndromic hearing loss 77. Last evaluated: 2021-07-10. Review status: criteria provided, single submitter. Criteria: ACMG Guidelines, 2015. Collection method: clinical testing. Allele origin: germline. Affected: no.

Mayo Clinic Laboratories, Mayo Clinic
Classification: Benign. Last evaluated: 2020-08-13. Review status: criteria provided, single submitter. Criteria: ACMG Guidelines, 2015. Collection method: clinical testing. Allele origin: germline. Observed: 29 variant alleles.

Illumina Laboratory Services, Illumina
Classification: Likely benign for Autosomal recessive nonsyndromic hearing loss 77. Last evaluated: 2018-01-13. Review status: criteria provided, single submitter. Criteria: ICSL Variant Classification Criteria 13 December 2019. Collection method: clinical testing. Allele origin: germline.
Comment: This variant was observed in the ICSL laboratory as part of a predisposition screen in an ostensibly healthy population. It had not been previously curated by ICSL or reported in the Human Gene Mutation Database (HGMD: prior to June 1st, 2018), and was therefore a candidate for classification through an automated scoring system. Utilizing variant allele frequency, disease prevalence and penetrance estimates, and inheritance mode, an automated score was calculated to assess if this variant is too frequent to cause the disease. Based on the score and internal cut-off values, a variant classified as likely benign is not then subjected to further curation. The score for this variant resulted in a classification of likely benign for this disease.

GeneDx
Classification: Benign. Last evaluated: 2017-05-09. Review status: criteria provided, single submitter. Criteria: GeneDx Variant Classification (06012015). Collection method: clinical testing. Allele origin: germline. Affected: yes.
Comment: This variant is considered likely benign or benign based on one or more of the following criteria: it is a conservative change, it occurs at a poorly conserved position in the protein, it is predicted to be benign by multiple in silico algorithms, and/or has population frequency not consistent with disease.

Laboratory for Molecular Medicine, Mass General Brigham Personalized Medicine
Classification: Benign. Last evaluated: 2012-05-07. Review status: criteria provided, single submitter. Criteria: LMM Criteria. Collection method: clinical testing. Allele origin: germline. Observed: 213 variant alleles.
Comment: Val363Ile in Exon 08 of LOXHD1: This variant is not expected to have clinical si gnificance because it has been identified in 9.1% (231/2532) of European America n chromosomes from a broad population by the NHLBI Exome Sequencing Project (dbSNP rs10163657).

Breakthrough Genomics
Classification: Likely benign. Review status: criteria provided, single submitter. Criteria: ACMG Guidelines, 2015. Collection method: not provided. Allele origin: germline. Inheritance: Autosomal recessive inheritance. Affected: yes.

PreventionGenetics, part of Exact Sciences
Classification: Benign. Review status: criteria provided, single submitter. Criteria: ACMG Guidelines, 2015. Collection method: clinical testing. Allele origin: germline.

Natera, Inc.
Classification: Benign for Autosomal recessive deafness type 77. Last evaluated: 2020-09-16. Review status: no assertion criteria provided. Collection method: clinical testing. Allele origin: germline. Not counted in ClinVar's aggregate classification.